The following is an entry in ClinVar:

NM_000388.4(CASR):c.2596C>T (p.Arg866Cys)

Gene: CASR (calcium sensing receptor; plus strand). Cytogenetic location: 3q21.1.
Variant type: single nucleotide variant.
Coding change: c.2596C>T on transcript NM_000388.4 (MANE Select); coding-DNA position 2596, C replaced by T.
Protein change: p.Arg866Cys; replaces arginine 866 with cysteine.
Molecular consequence: missense variant.
Genome position (GRCh38, 1-based): chr3:122,284,550, C>T. VCF-style: chr3-122284550-C-T. GRCh37 (hg19) VCF-style: chr3-122003397-C-T.
Other names: c.2626C>T, p.Arg876Cys (NM_001178065.2); short protein forms R876C, R866C.
Identifiers: ClinVar variation 660501 (VCV000660501.11), dbSNP rs1576878170, ClinGen allele CA354160372.
Genomic context (GRCh38, chr3:122,284,550, plus strand): 5'-TTTGGCTTGCTGGCGTGCATCTTCTTCAACAAGATCTACATCATTCTCTTCAAGCCATCC[C>T]GCAACACCATCGAGGAGGTGCGTTGCAGCACCGCAGCTCACGCTTTCAAGGTGGCTGCCC-3'
Protein context (NP_000379.3, residues 856-876): KIYIILFKPS[Arg866Cys]NTIEEVRCST

ClinVar aggregate classification (germline): Uncertain significance. Review status: criteria provided, multiple submitters, no conflicts (2 of 4 stars). 2 submissions from 2 submitters: Uncertain significance (2). Last evaluated 2023-09-01.

Conditions:
Nephrolithiasis/nephrocalcinosis. Identifiers: MedGen CN580796.
Familial hypocalciuric hypercalcemia (FHH). Also called: Familial benign hypercalcemia. Identifiers: Orphanet 405, MedGen C1809471, MONDO:0018458.
Autosomal dominant hypocalcemia 1 (HYPOC1). Also called: HYPOCALCEMIA, FAMILIAL. Identifiers: MedGen C3715128, MONDO:0011013, OMIM 601198.

Allele frequency attached by ClinVar (database versions not stated): 1000 Genomes Project 30x 0.00016.

Submissions (2):

Labcorp Genetics (formerly Invitae), Labcorp
Classification: Uncertain significance for Familial hypocalciuric hypercalcemia; Autosomal dominant hypocalcemia 1. Last evaluated: 2023-09-01. Review status: criteria provided, single submitter. Criteria: Invitae Variant Classification Sherloc (09022015). Collection method: clinical testing. Allele origin: germline.
Comment: This sequence change replaces arginine, which is basic and polar, with cysteine, which is neutral and slightly polar, at codon 866 of the CASR protein (p.Arg866Cys). This variant is not present in population databases (gnomAD no frequency). This variant has not been reported in the literature in individuals affected with CASR-related conditions. ClinVar contains an entry for this variant (Variation ID: 660501). An algorithm developed to predict the effect of missense changes on protein structure and function (PolyPhen-2) suggests that this variant is likely to be disruptive. In summary, the available evidence is currently insufficient to determine the role of this variant in disease. Therefore, it has been classified as a Variant of Uncertain Significance.

Ambry Genetics
Classification: Uncertain significance for Nephrolithiasis/nephrocalcinosis. Last evaluated: 2021-09-23. Review status: criteria provided, single submitter. Criteria: Ambry Variant Classification Scheme 2023. Collection method: clinical testing. Allele origin: germline.
Comment: The p.R866C variant (also known as c.2596C>T), located in coding exon 6 of the CASR gene, results from a C to T substitution at nucleotide position 2596. The arginine at codon 866 is replaced by cysteine, an amino acid with highly dissimilar properties. This amino acid position is conserved. In addition, this alteration is predicted to be deleterious by in silico analysis. Since supporting evidence is limited at this time, the clinical significance of this alteration remains unclear.